The following is an entry in ClinVar:

NM_015272.5(RPGRIP1L):c.3257_3258del (p.Cys1086fs)

Gene: RPGRIP1L (RPGRIP1 like; minus strand). Cytogenetic location: 16q12.2.
Variant type: Deletion.
Coding change: c.3257_3258del on transcript NM_015272.5 (MANE Select); coding-DNA positions 3257 to 3258, 2 bases deleted (GT; older notation c.3257_3258delGT).
Protein change: p.Cys1086fs; shifts the reading frame from cysteine 1086.
Molecular consequence: frameshift variant.
Genome position (GRCh38, 1-based): chr16:53,636,475-53,636,476, AC deleted on the plus strand (GT on the coding strand, the reverse complement: RPGRIP1L is on the minus strand); deleting any 2 consecutive bases within chr16:53,636,475-53,636,477 gives the same sequence; the c. name uses the placement nearest the transcript's 3' end. VCF-style (leftmost placement, unchanged base first): chr16-53636474-TAC-T. GRCh37 (hg19) VCF-style: chr16-53670386-TAC-T.
Other names: c.3155_3156del, p.Cys1052fs (NM_001127897.4, NM_001330538.2); c.3257_3258del, p.Cys1086fs (NM_001308334.3); short protein forms C1052fs, C1086fs.
Identifiers: ClinVar variation 2024887 (VCV002024887.4), dbSNP rs2543966207, ClinGen allele CA2580091589.

ClinVar aggregate classification (germline): Pathogenic (1 of 4 stars; one submission).

Conditions:
Joubert syndrome. Also called: CEREBELLOPARENCHYMAL DISORDER IV; JOUBERT-BOLTSHAUSER SYNDROME; Familial aplasia of the vermis. Identifiers: Orphanet 475, MedGen C5979921, MONDO:0018772.
Meckel-Gruber syndrome. Also called: DYSENCEPHALIA SPLANCHNOCYSTICA; GRUBER SYNDROME; Dysencephalia splachnocystica. Identifiers: Orphanet 564, MedGen C0265215, MONDO:0018921.

Submission:

Labcorp Genetics (formerly Invitae), Labcorp
Classification: Pathogenic for Joubert syndrome; Meckel-Gruber syndrome. Last evaluated: 2023-05-23. Review status: criteria provided, single submitter. Criteria: Invitae Variant Classification Sherloc (09022015). Collection method: clinical testing. Allele origin: germline.
Comment: For these reasons, this variant has been classified as Pathogenic. ClinVar contains an entry for this variant (Variation ID: 2024887). This variant has not been reported in the literature in individuals affected with RPGRIP1L-related conditions. This variant is not present in population databases (gnomAD no frequency). This sequence change creates a premature translational stop signal (p.Cys1086Tyrfs*24) in the RPGRIP1L gene. It is expected to result in an absent or disrupted protein product. Loss-of-function variants in RPGRIP1L are known to be pathogenic (PMID: 17558409).

Literature cited by the submitters: PubMed 17558409.